The following is an entry in ClinVar:

NM_032436.4(CHAMP1):c.1687C>G (p.Leu563Val)

Gene: CHAMP1 (chromosome alignment maintaining phosphoprotein 1; plus strand). Cytogenetic location: 13q34.
Variant type: single nucleotide variant.
Coding change: c.1687C>G on transcript NM_032436.4 (MANE Select); coding-DNA position 1687, C replaced by G.
Protein change: p.Leu563Val; replaces leucine 563 with valine.
Molecular consequence: missense variant.
Genome position (GRCh38, 1-based): chr13:114,325,529, C>G. VCF-style: chr13-114325529-C-G. GRCh37 (hg19) VCF-style: chr13-115091004-C-G.
Other names: c.1687C>G, p.Leu563Val (NM_001164144.3, NM_001164145.3); short protein forms L563V.
Identifiers: ClinVar variation 2582114 (VCV002582114.1), dbSNP rs1555379846, ClinGen allele CA388849354.

ClinVar aggregate classification (germline): Uncertain significance (1 of 4 stars; one submission).

Submission:

GeneDx
Classification: Uncertain significance. Last evaluated: 2023-03-29. Review status: criteria provided, single submitter. Criteria: GeneDx Variant Classification Process June 2021. Collection method: clinical testing. Allele origin: germline. Affected: yes.
Comment: Not observed at significant frequency in large population cohorts (gnomAD); In silico analysis supports that this missense variant does not alter protein structure/function; Has not been previously published as pathogenic or benign to our knowledge